The following is an entry in ClinVar:

NM_000117.3(EMD):c.466G>C (p.Gly156Arg)

Gene: EMD (emerin; plus strand). Cytogenetic location: Xq28.
Variant type: single nucleotide variant.
Coding change: c.466G>C on transcript NM_000117.3 (MANE Select); coding-DNA position 466, G replaced by C.
Protein change: p.Gly156Arg; replaces glycine 156 with arginine.
Molecular consequence: missense variant.
Genome position (GRCh38, 1-based): chrX:154,380,898, G>C. VCF-style: chrX-154380898-G-C. GRCh37 (hg19) VCF-style: chrX-153609258-G-C.
Other names: short protein forms G156R.
Identifiers: ClinVar variation 290157 (VCV000290157.17), dbSNP rs144594695, ClinGen allele CA10561623.

ClinVar aggregate classification (germline): Conflicting classifications of pathogenicity. Review status: criteria provided, conflicting classifications (1 of 4 stars). 6 submissions from 6 submitters: Uncertain significance (2); Likely benign (2). 2 of the submissions do not count toward it. Last evaluated 2026-01-26.

Conditions:
Cardiovascular phenotype. Identifiers: MedGen CN230736.
X-linked Emery-Dreifuss muscular dystrophy. Also called: Muscular dystrophy, tardive Emery-Dreifuss type, with contractures. Identifiers: Orphanet 261, Orphanet 98863, MedGen C0751337, MONDO:0010680.

Allele frequency attached by ClinVar (database versions not stated): TOPMed 0.00001.
gnomAD v4.1: 46 of 1,210,305 alleles (0.0038%); highest among the groups gnomAD compares: Non-Finnish European, 0.0041%; no homozygotes.

Submissions (6):

Labcorp Genetics (formerly Invitae), Labcorp
Classification: Likely benign for X-linked Emery-Dreifuss muscular dystrophy. Last evaluated: 2026-01-26. Review status: criteria provided, single submitter. Criteria: Invitae Variant Classification Sherloc (09022015). Collection method: clinical testing. Allele origin: germline.

Ambry Genetics
Classification: Uncertain significance for Cardiovascular phenotype. Last evaluated: 2023-03-31. Review status: criteria provided, single submitter. Criteria: Ambry Variant Classification Scheme 2023. Collection method: clinical testing. Allele origin: germline.
Comment: The p.G156R variant (also known as c.466G>C), located in coding exon 6 of the EMD gene, results from a G to C substitution at nucleotide position 466. The glycine at codon 156 is replaced by arginine, an amino acid with dissimilar properties. Based on data from gnomAD, the C allele has an overall frequency of <0.01% (12/183014) total alleles studied, with 3 hemizygote(s) observed. The highest observed frequency was 0.02% (1/4518) of Other alleles. This amino acid position is not well conserved in available vertebrate species. In addition, this alteration is predicted to be tolerated by in silico analysis. Since supporting evidence is limited at this time, the clinical significance of this alteration remains unclear.

GeneDx
Classification: Likely benign. Last evaluated: 2017-01-03. Review status: criteria provided, single submitter. Criteria: GeneDx Variant Classification (06012015). Collection method: clinical testing. Allele origin: germline. Affected: yes.
Comment: This variant is considered likely benign or benign based on one or more of the following criteria: it is a conservative change, it occurs at a poorly conserved position in the protein, it is predicted to be benign by multiple in silico algorithms, and/or has population frequency not consistent with disease.

Eurofins Ntd Llc (ga)
Classification: Uncertain significance. Last evaluated: 2016-08-08. Review status: criteria provided, single submitter. Criteria: EGL Classification Definitions 2015. Collection method: clinical testing. Allele origin: germline. Observed: 1 variant allele, 1 heterozygote.

Clinical Genetics DNA and cytogenetics Diagnostics Lab, Erasmus MC, Erasmus Medical Center
Classification: Likely benign. Review status: no assertion criteria provided. Collection method: clinical testing. Allele origin: germline. Affected: yes. Study: VKGL Data-share Consensus. Not counted in ClinVar's aggregate classification.

Joint Genome Diagnostic Labs from Nijmegen and Maastricht, Radboudumc and MUMC+
Classification: Likely benign. Review status: no assertion criteria provided. Collection method: clinical testing. Allele origin: germline. Affected: yes. Study: VKGL Data-share Consensus. Not counted in ClinVar's aggregate classification.